The following is an entry in ClinVar:

ClinVar aggregate classification (germline): Uncertain significance (1 of 4 stars; one submission).

Conditions:
Microcephaly, normal intelligence and immunodeficiency (NBS). Also called: Immunodeficiency, microcephaly with normal intelligence; Ataxia telangiectasia variant V1; IMMUNODEFICIENCY, MICROCEPHALY, AND CHROMOSOMAL INSTABILITY; BERLIN BREAKAGE SYNDROME; SEEMANOVA SYNDROME II; Nijmegen breakage syndrome. Identifiers: Orphanet 647, MedGen C0398791, MONDO:0009623, OMIM 251260.

Submission:

Labcorp Genetics (formerly Invitae), Labcorp
Classification: Uncertain significance for Microcephaly, normal intelligence and immunodeficiency. Last evaluated: 2022-07-20. Review status: criteria provided, single submitter. Criteria: Invitae Variant Classification Sherloc (09022015). Collection method: clinical testing. Allele origin: germline.
Comment: This variant is not present in population databases (gnomAD no frequency). This variant, c.214_216del, results in the deletion of 1 amino acid(s) of the NBN protein (p.Ser72del), but otherwise preserves the integrity of the reading frame. This variant has not been reported in the literature in individuals affected with NBN-related conditions. In summary, the available evidence is currently insufficient to determine the role of this variant in disease. Therefore, it has been classified as a Variant of Uncertain Significance. Experimental studies and prediction algorithms are not available or were not evaluated, and the functional significance of this variant is currently unknown.

NM_002485.5(NBN):c.214_216del (p.Ser72del)

Gene: NBN (nibrin; minus strand). Cytogenetic location: 8q21.3.
Variant type: Deletion.
Coding change: c.214_216del on transcript NM_002485.5 (MANE Select); coding-DNA positions 214 to 216, 3 bases deleted (TCT; older notation c.214_216delTCT).
Protein change: p.Ser72del; deletes serine 72.
Molecular consequence: inframe deletion. On other transcripts: 5 prime UTR variant (1).
Genome position (GRCh38, 1-based): chr8:89,981,479-89,981,481, AGA deleted on the plus strand (TCT on the coding strand, the reverse complement: NBN is on the minus strand); deleting any 3 consecutive bases within chr8:89,981,479-89,981,482 gives the same sequence; the c. name uses the placement nearest the transcript's 3' end. VCF-style (leftmost placement, unchanged base first): chr8-89981478-TAGA-T. GRCh37 (hg19) VCF-style: chr8-90993706-TAGA-T.
Other names: c.-33_-31del (NM_001024688.3); short protein forms S72del.
Identifiers: ClinVar variation 2018282 (VCV002018282.4), dbSNP rs2488361231, ClinGen allele CA2580079222.